The following is an entry in ClinVar:

ClinVar aggregate classification (germline): Uncertain significance (1 of 4 stars; one submission).

Conditions:
Townes syndrome (TBS). Also called: Townes-Brocks syndrome. Identifiers: Orphanet 857, MedGen C0265246, MeSH C536974, MONDO:0007142.

gnomAD v4.1: 1 of 1,613,632 alleles (0.000062%); highest among the groups gnomAD compares: Admixed American, 0.0017%; no homozygotes.

Submission:

Labcorp Genetics (formerly Invitae), Labcorp
Classification: Uncertain significance for Townes syndrome. Last evaluated: 2025-05-13. Review status: criteria provided, single submitter. Criteria: Invitae Variant Classification Sherloc (09022015). Collection method: clinical testing. Allele origin: germline.
Comment: This sequence change replaces leucine, which is neutral and non-polar, with arginine, which is basic and polar, at codon 563 of the SALL1 protein (p.Leu563Arg). This variant is present in population databases (no rsID available, gnomAD 0.003%). This variant has not been reported in the literature in individuals affected with SALL1-related conditions. Invitae Evidence Modeling of protein sequence and biophysical properties (such as structural, functional, and spatial information, amino acid conservation, physicochemical variation, residue mobility, and thermodynamic stability) indicates that this missense variant is not expected to disrupt SALL1 protein function with a negative predictive value of 80%. In summary, the available evidence is currently insufficient to determine the role of this variant in disease. Therefore, it has been classified as a Variant of Uncertain Significance.

NM_002968.3(SALL1):c.1688T>G (p.Leu563Arg)

Gene: SALL1 (spalt like transcription factor 1; minus strand). Cytogenetic location: 16q12.1.
Variant type: single nucleotide variant.
Coding change: c.1688T>G on transcript NM_002968.3 (MANE Select); coding-DNA position 1688, T replaced by G.
Protein change: p.Leu563Arg; replaces leucine 563 with arginine.
Molecular consequence: missense variant.
Genome position (GRCh38, 1-based): chr16:51,140,534, A>C on the plus strand (T>G on the coding strand, the complement: SALL1 is on the minus strand). VCF-style: chr16-51140534-A-C. GRCh37 (hg19) VCF-style: chr16-51174445-A-C.
Other names: c.1397T>G, p.Leu466Arg (NM_001127892.2); short protein forms L466R, L563R.
Identifiers: ClinVar variation 4808451 (VCV004808451.1).